The following is an entry in ClinVar:

NM_001401501.2(MUC16):c.44395C>A (p.Gln14799Lys)

Gene: MUC16 (mucin 16, cell surface associated; minus strand). Cytogenetic location: 19p13.2.
Variant type: single nucleotide variant.
Coding change: c.44395C>A on transcript NM_001401501.2 (MANE Select); coding-DNA position 44395, C replaced by A.
Protein change: p.Gln14799Lys; replaces glutamine 14799 with lysine.
Molecular consequence: missense variant.
Genome position (GRCh38, 1-based): chr19:8,876,542, G>T on the plus strand (C>A on the coding strand, the complement: MUC16 is on the minus strand). VCF-style: chr19-8876542-G-T. GRCh37 (hg19) VCF-style: chr19-8987218-G-T.
Other names: c.44821C>A, p.Gln14941Lys (NM_001414686.1); c.44275C>A, p.Gln14759Lys (NM_001414687.1); c.41869C>A, p.Gln13957Lys (NM_024690.2); short protein forms Q13957K, Q14759K, Q14799K, Q14941K.
Identifiers: ClinVar variation 3058901 (VCV003058901.2), dbSNP rs3764556, ClinGen allele CA9162606.

ClinVar aggregate classification (germline): Benign (0 of 4 stars; one submission).

Conditions:
MUC16-related disorder. Also called: MUC16-related condition.

Allele frequency attached by ClinVar (database versions not stated): gnomAD exomes 0.29456; ExAC 0.33990; ESP Exome Variant Server 0.35266; gnomAD 0.36437; TOPMed 0.36981; 1000 Genomes Project 30x 0.43254; 1000 Genomes Project 0.43510.

Submission:

PreventionGenetics, part of Exact Sciences
Classification: Benign for MUC16-related condition. Last evaluated: 2019-10-18. Review status: no assertion criteria provided. Collection method: clinical testing. Allele origin: germline.
Comment: This variant is classified as benign based on ACMG/AMP sequence variant interpretation guidelines (Richards et al. 2015 PMID: 25741868, with internal and published modifications).